The following is an entry in ClinVar:

ClinVar aggregate classification (germline): Uncertain significance (1 of 4 stars; one submission).

Allele frequency attached by ClinVar (database versions not stated): gnomAD exomes below 0.00001; gnomAD 0.00001; TOPMed 0.00001.
gnomAD v4.1: 2 of 1,613,052 alleles (0.00012%); highest among the groups gnomAD compares: Non-Finnish European, 0.00017%; no homozygotes.

Submission:

Labcorp Genetics (formerly Invitae), Labcorp
Classification: Uncertain significance. Last evaluated: 2022-06-29. Review status: criteria provided, single submitter. Criteria: Invitae Variant Classification Sherloc (09022015). Collection method: clinical testing. Allele origin: germline.
Comment: This sequence change falls in intron 3 of the SLC51B gene. It does not directly change the encoded amino acid sequence of the SLC51B protein. It affects a nucleotide within the consensus splice site. This variant is not present in population databases (gnomAD no frequency). This variant has not been reported in the literature in individuals affected with SLC51B-related conditions. Variants that disrupt the consensus splice site are a relatively common cause of aberrant splicing (PMID: 17576681, 9536098). Algorithms developed to predict the effect of sequence changes on RNA splicing suggest that this variant may disrupt the consensus splice site. In summary, the available evidence is currently insufficient to determine the role of this variant in disease. Therefore, it has been classified as a Variant of Uncertain Significance.

Literature cited by the submitters: PubMed 17576681; PubMed 9536098.

NM_178859.4(SLC51B):c.188+1G>T

Genes: RASL12 (RAS like family 12; minus strand), SLC51B (SLC51 subunit beta; plus strand). Cytogenetic location: 15q22.31.
Variant type: single nucleotide variant.
Coding change: c.188+1G>T on transcript NM_178859.4 (MANE Select); the canonical splice donor site of the intron after coding-DNA position 188, G replaced by T.
Molecular consequence: splice donor variant.
Genome position (GRCh38, 1-based): chr15:65,051,606, G>T. VCF-style: chr15-65051606-G-T. GRCh37 (hg19) VCF-style: chr15-65343944-G-T.
Identifiers: ClinVar variation 2105214 (VCV002105214.4), dbSNP rs1029168379, ClinGen allele CA271483560.
Genomic context (GRCh38, chr15:65,051,606, plus strand): 5'-GGCAGCTGTGGTGGTCATTATAAGCATGGTCCTCCTGGGAAGAAGCATCCAGGCAAGCAG[G>T]TGAGGAGCTGGTCCTGGGGGGATGGGGTGGTCTCTGTGGGGTAGAGGCCCTGCCTTCCCA-3'